The following is an entry in ClinVar:

ClinVar aggregate classification (germline): Uncertain significance (1 of 4 stars; one submission).

Conditions:
Intellectual developmental disorder with or without epilepsy or cerebellar ataxia. Identifiers: MedGen C4748041, MONDO:0060745, OMIM 618060.

Submission:

MVZ Medizinische Genetik Mainz
Classification: Uncertain significance for Intellectual developmental disorder with or without epilepsy or cerebellar ataxia. Last evaluated: 2025-12-02. Review status: criteria provided, single submitter. Criteria: UK Practice Guidelines For Variant Classification V4 01 2020. Collection method: clinical testing. Allele origin: germline. Inheritance: Autosomal dominant inheritance. Affected: yes. Observed: 1 variant allele.
Comment: ACMG Criteria: PVS1_MOD,PM2_SUP

NM_134261.3(RORA):c.196+51414del

Genes: RORA (RAR related orphan receptor A; minus strand), RORA-AS1 (RORA antisense RNA 1; plus strand). Cytogenetic location: 15q22.2.
Variant type: Deletion.
Coding change: c.196+51414del on transcript NM_134261.3 (MANE Select); 51414 bases into the intron after coding-DNA position 196, one base deleted (C; older notation c.196+51414delC).
Molecular consequence: intron variant. On other transcripts: frameshift variant (2).
Genome position (GRCh38, 1-based): chr15:60,627,243, G deleted on the plus strand (C on the coding strand, the reverse complement: RORA is on the minus strand); the first of 2 consecutive G bases (chr15:60,627,243-60,627,244); deleting either gives the same sequence. VCF-style (leftmost placement, unchanged base first): chr15-60627242-TG-T. GRCh37 (hg19) VCF-style: chr15-60919441-TG-T.
Other names: c.132del, p.Arg45fs (NM_002943.4, NM_134260.3); short protein forms R45fs.
Identifiers: ClinVar variation 5038097 (VCV005038097.1).
Genomic context (GRCh38, chr15:60,627,242, plus strand): 5'-GGGGGAGGGTACACAGTGATCAGCAGAGCAAAGAACTTGCTCTCAGTGGCTCTTACCTTC[TG>T]GCTCCTTCACCTGCAGGTGTGGGTGTGGCAGACATTCTGGCCTGTCCAGTTCGAAGACAA-3'